The following is an entry in ClinVar:

ClinVar aggregate classification (germline): Uncertain significance (1 of 4 stars; one submission).

Allele frequency attached by ClinVar (database versions not stated): gnomAD 0.00001; gnomAD exomes 0.00001; TOPMed 0.00002; ExAC 0.00005; 1000 Genomes Project 30x 0.00021; 1000 Genomes Project 0.00026.
gnomAD v4.1: 6 of 1,210,021 alleles (0.0005%); highest among the groups gnomAD compares: Admixed American, 0.011%; no homozygotes.

Submission:

Labcorp Genetics (formerly Invitae), Labcorp
Classification: Uncertain significance. Last evaluated: 2023-12-19. Review status: criteria provided, single submitter. Criteria: Invitae Variant Classification Sherloc (09022015). Collection method: clinical testing. Allele origin: germline.
Comment: This sequence change replaces isoleucine, which is neutral and non-polar, with valine, which is neutral and non-polar, at codon 226 of the DRP2 protein (p.Ile226Val). This variant is present in population databases (rs201301982, gnomAD 0.02%). This variant has not been reported in the literature in individuals affected with DRP2-related conditions. Advanced modeling of protein sequence and biophysical properties (such as structural, functional, and spatial information, amino acid conservation, physicochemical variation, residue mobility, and thermodynamic stability) performed at Invitae indicates that this missense variant is not expected to disrupt DRP2 protein function with a negative predictive value of 80%. In summary, the available evidence is currently insufficient to determine the role of this variant in disease. Therefore, it has been classified as a Variant of Uncertain Significance.

NM_001939.3(DRP2):c.676A>G (p.Ile226Val)

Gene: DRP2 (dystrophin related protein 2; plus strand). Cytogenetic location: Xq22.1.
Variant type: single nucleotide variant.
Coding change: c.676A>G on transcript NM_001939.3 (MANE Select); coding-DNA position 676, A replaced by G.
Protein change: p.Ile226Val; replaces isoleucine 226 with valine.
Molecular consequence: missense variant.
Genome position (GRCh38, 1-based): chrX:101,241,784, A>G. VCF-style: chrX-101241784-A-G. GRCh37 (hg19) VCF-style: chrX-100496773-A-G.
Other names: c.442A>G, p.Ile148Val (NM_001171184.2); short protein forms I226V, I148V.
Identifiers: ClinVar variation 2966717 (VCV002966717.3), dbSNP rs201301982, ClinGen allele CA10472122.